The following is an entry in ClinVar:

NM_000059.4(BRCA2):c.9458G>C (p.Gly3153Ala)

Gene: BRCA2 (BRCA2 DNA repair associated; plus strand). Cytogenetic location: 13q13.1.
Variant type: single nucleotide variant.
Coding change: c.9458G>C on transcript NM_000059.4 (MANE Select); coding-DNA position 9458, G replaced by C.
Protein change: p.Gly3153Ala; replaces glycine 3153 with alanine.
Molecular consequence: missense variant.
Genome position (GRCh38, 1-based): chr13:32,394,890, G>C. VCF-style: chr13-32394890-G-C. GRCh37 (hg19) VCF-style: chr13-32969027-G-C.
Other names: 9686G>C; short protein forms G3153A.
Identifiers: ClinVar variation 52841 (VCV000052841.41), dbSNP rs80359220, ClinGen allele CA026167.

ClinVar aggregate classification (germline): Conflicting classifications of pathogenicity. Review status: criteria provided, conflicting classifications (1 of 4 stars). 16 submissions from 16 submitters: Uncertain significance (4); Benign (1); Likely benign (7). 4 of the submissions do not count toward it. Last evaluated 2026-08-26.

Conditions:
Inherited breast cancer and ovarian cancer.
BRCA2-related disorder. Also called: BRCA2-related condition; BRCA2-related disorders. Identifiers: MedGen CN239275.
Hereditary cancer-predisposing syndrome. Also called: Hereditary Cancer Syndrome; Neoplastic Syndromes, Hereditary; Hereditary neoplastic syndrome; Tumor predisposition. Identifiers: Orphanet 140162, MedGen C0027672, MeSH D009386, MONDO:0015356.
Hereditary breast ovarian cancer syndrome. Also called: Hereditary breast and ovarian cancer syndrome; Breast and ovarian cancer; BRCA1- and BRCA2-Associated Hereditary Breast and Ovarian Cancer; Hereditary breast and/or ovarian cancer syndrome; Hereditary breast and ovarian cancer; Hereditary breast and ovarian cancer syndrome (HBOC). Identifiers: Orphanet 145, MedGen C0677776, MeSH D061325, MONDO:0003582. Disease mechanism: loss of function.
Breast-ovarian cancer, familial, susceptibility to, 2 (BROVCA2). Also called: BRCA2 Hereditary Breast and Ovarian Cancer. Identifiers: Orphanet 145, MedGen C2675520, MONDO:0012933, OMIM 612555. Disease mechanism: loss of function.

Allele frequency attached by ClinVar (database versions not stated): TOPMed 0.00002; gnomAD 0.00003; gnomAD exomes 0.00003; ExAC 0.00004.
gnomAD v4.1: 57 of 1,613,936 alleles (0.0035%); highest among the groups gnomAD compares: Non-Finnish European, 0.0045%; no homozygotes.

Submissions (16):

Institute of Human Genetics, University of Leipzig Medical Center
Classification: Benign for Breast-ovarian cancer, familial, susceptibility to, 2. Last evaluated: 2026-08-26. Review status: criteria provided, single submitter. Criteria: ACMG Guidelines, 2015. Collection method: clinical testing. Allele origin: unknown. Inheritance: Autosomal dominant inheritance. Affected: yes.
Comment: Criteria applied: BP5_VSTR,BP4

Genomics and Molecular Medicine Service, East Genomic Laboratory Hub, NHS Genomic Medicine Service
Classification: Uncertain significance for Inherited breast cancer and ovarian cancer. Last evaluated: 2026-06-01. Review status: criteria provided, single submitter. Criteria: ACGS Best Practice Guidelines for Variant Classification in Rare Disease 2020. Collection method: clinical testing. Allele origin: germline. Affected: yes.
Comment: PM1_Supporting,BP5_Moderate

Dasa
Classification: Likely benign for Breast-ovarian cancer, familial, susceptibility to, 2. Last evaluated: 2026-03-30. Review status: criteria provided, single submitter. Criteria: DASA Assertion Criteria. Collection method: clinical testing. Allele origin: germline.
Comment: NM_000059.4(BRCA2):c.9458G>C (p.Gly3153Ala) is interpreted based on available population and clinical evidence, including population frequency and no convincing observation in affected individuals. Based on the available data, this variant is classified as likely benign.

PreventionGenetics, part of Exact Sciences
Classification: Likely benign for BRCA2-related condition. Last evaluated: 2026-02-18. Review status: criteria provided, single submitter. Criteria: ACMG Guidelines, 2015. Collection method: clinical testing. Allele origin: germline.
Comment: This variant is classified as likely benign based on ACMG/AMP sequence variant interpretation guidelines (Richards et al. 2015 PMID: 25741868, with internal and published modifications).

Labcorp Genetics (formerly Invitae), Labcorp
Classification: Likely benign for Hereditary breast ovarian cancer syndrome. Last evaluated: 2025-10-23. Review status: criteria provided, single submitter. Criteria: Invitae Variant Classification Sherloc (09022015). Collection method: clinical testing. Allele origin: germline.

Ambry Genetics
Classification: Likely benign for Hereditary cancer-predisposing syndrome. Last evaluated: 2025-05-16. Review status: criteria provided, single submitter. Criteria: Ambry Variant Classification Scheme 2023. Collection method: clinical testing. Allele origin: germline.

Women's Health and Genetics/Laboratory Corporation of America, LabCorp
Classification: Uncertain significance. Last evaluated: 2025-02-07. Review status: criteria provided, single submitter. Criteria: LabCorp Variant Classification Summary - May 2015. Collection method: clinical testing. Allele origin: germline.
Comment: Variant summary: BRCA2 c.9458G>C (p.Gly3153Ala) results in a non-conservative amino acid change located in the BRCA2, OB3 domain of the encoded protein sequence. Four of five in-silico tools predict a benign effect of the variant on protein function. The variant allele was found at a frequency of 3.2e-05 in 251244 control chromosomes. The available data on variant occurrences in the general population are insufficient to allow any conclusion about variant significance. c.9458G>C has been reported in the literature in at-least one family with breast and/or ovarian cancer and at-least one individual with hyperdiploid acute lymphoblastic leukemia, without strong evidence of causality (example: Zuntini_2018, Zhang_2015). These report(s) do not provide unequivocal conclusions about association of the variant with Hereditary Breast And Ovarian Cancer Syndrome. A functional study involving a combination of a mouse embryonic stem cell (mESC)-based assay using next-generation sequencing (NGS) and cell viability and drug sensitivity assays were used to evaluate the pathogenicity of the variant and the evidence suggested that the variant is functional (Biswas_2023). The following publications have been ascertained in the context of this evaluation (PMID: 37922907, 26580448, 30254663). ClinVar contains an entry for this variant (Variation ID: 52841). Based on the evidence outlined above, the variant was classified as uncertain significance.

Quest Diagnostics Nichols Institute San Juan Capistrano
Classification: Uncertain significance. Last evaluated: 2025-01-17. Review status: criteria provided, single submitter. Criteria: Quest Diagnostics criteria. Collection method: clinical testing. Allele origin: unknown.
Comment: The BRCA2 c.9458G>C (p.Gly3153Ala) variant has been reported in the published literature in individuals affected with breast cancer (PMID: 30254663 (2018)) and hyperdiploid acute lymphoblastic leukemia (PMID: 26580448 (2015)). This variant has also been reported in affected and reportedly healthy individuals in a large-scale breast cancer association study (PMID: 33471991 (2021), see also LOVD). It has also been detected as a somatic variant in metastatic pancreatic ductal adenocarcinoma (PDAC) (PMID: 31391296 (2020)). The frequency of this variant in the general population (Genome Aggregation Database) is uninformative in the assessment of its pathogenicity. This variant has been predicted to be likely benign based on computational and multifactorial analyses (PMIDs: 19043619 (2008), 31131967 (2019)). Analysis of this variant using bioinformatics tools for the prediction of the effect of amino acid changes on protein structure and function yielded predictions that this variant is benign. Based on the available information, we are unable to determine the clinical significance of this variant.

Genetic Services Laboratory, University of Chicago
Classification: Uncertain significance. Last evaluated: 2020-12-21. Review status: criteria provided, single submitter. Criteria: ACMG Guidelines, 2015. Collection method: clinical testing. Allele origin: germline. Affected: no.
Comment: DNA sequence analysis of the BRCA2 gene demonstrated a sequence change, c.9458G>C, in exon 25 that results in an amino acid change, p.Gly3153Ala. This sequence change does not appear to have been previously described in individuals with BRCA2-related disorders and has been described in the gnomAD database with a frequency of 0.005% in the European sub-population (dbSNP rs80359220). The p.Gly3153Ala change affects a poorly conserved amino acid residue located in a domain of the BRCA2 protein that is known to be functional. The p.Gly3153Ala substitution appears to be benign using several in-silico pathogenicity prediction tools (SIFT, PolyPhen2, Align GVGD, REVEL). Due to these contrasting evidences and the lack of functional studies, the clinical significance of the p.Gly3153Ala change remains unknown at this time.

Mendelics
Classification: Likely benign for Breast-ovarian cancer, familial, susceptibility to, 2. Last evaluated: 2019-05-28. Review status: criteria provided, single submitter. Criteria: Mendelics Assertion Criteria 2017. Collection method: clinical testing. Allele origin: unknown.

GeneDx
Classification: Likely benign. Last evaluated: 2019-04-29. Review status: criteria provided, single submitter. Criteria: GeneDx Variant Classification Process June 2021. Collection method: clinical testing. Allele origin: germline. Affected: yes.
Comment: This variant is associated with the following publications: (PMID: 21702907, 19043619, 26580448)

Color Diagnostics, LLC DBA Color Health
Classification: Likely benign for Hereditary cancer-predisposing syndrome. Last evaluated: 2016-12-28. Review status: criteria provided, single submitter. Criteria: ACMG Guidelines, 2015. Collection method: clinical testing. Allele origin: germline.

Department of Medical and Surgical Sciences, University of Bologna
Classification: Uncertain significance for Breast-ovarian cancer, familial, susceptibility to, 2. Last evaluated: 2023-09-01. Review status: no assertion criteria provided. Collection method: clinical testing. Allele origin: germline. Affected: yes. Not counted in ClinVar's aggregate classification.
Comment: BP5(Moderate) according to ACMG/AMP classification guidelines specified for BRCA1 & BRCA2 (Classification Criteria V1.0.0 2023-09-08) (PMID: 38160042)

Counsyl
Classification: Uncertain significance for Breast-ovarian cancer, familial, susceptibility to, 2. Last evaluated: 2017-05-26. Review status: no assertion criteria provided. Collection method: clinical testing. Allele origin: unknown. Not counted in ClinVar's aggregate classification.

Sharing Clinical Reports Project (SCRP)
Classification: Likely benign for Breast-ovarian cancer, familial 2. Last evaluated: 2008-11-18. Review status: no assertion criteria provided. Collection method: clinical testing. Allele origin: germline. Not counted in ClinVar's aggregate classification.

Breast Cancer Information Core (BIC) (BRCA2)
Classification: Uncertain significance for Breast-ovarian cancer, familial 2. Last evaluated: 2003-12-23. Review status: no assertion criteria provided. Collection method: clinical testing. Allele origin: germline. Affected: yes. Observed: 2 variant alleles. Not counted in ClinVar's aggregate classification.

Literature cited by the submitters: PubMed 19043619 (cited by 4 submitters); PubMed 26580448 (cited by 3 submitters); PubMed 31131967 (cited by Ambry Genetics and Quest Diagnostics Nichols Institute San Juan Capistrano); PubMed 37922907 (cited by 3 submitters); PubMed 39779848 (cited by Ambry Genetics); PubMed 39779857 (cited by Ambry Genetics); PubMed 21702907 (cited by 3 submitters); PubMed 30254663 (cited by Women's Health and Genetics/Laboratory Corporation of America, LabCorp and Quest Diagnostics Nichols Institute San Juan Capistrano); PubMed 31391296 (cited by Women's Health and Genetics/Laboratory Corporation of America, LabCorp and Quest Diagnostics Nichols Institute San Juan Capistrano); PubMed 33471991 (cited by Quest Diagnostics Nichols Institute San Juan Capistrano); PubMed 35150867 (cited by Quest Diagnostics Nichols Institute San Juan Capistrano); PubMed 31853058 (cited by Quest Diagnostics Nichols Institute San Juan Capistrano); PubMed 38271184 (cited by Quest Diagnostics Nichols Institute San Juan Capistrano).